The following is an entry in ClinVar:

NM_000257.4(MYH7):c.4090G>A (p.Ala1364Thr)

Gene: MYH7 (myosin heavy chain 7; minus strand). Cytogenetic location: 14q11.2.
Variant type: single nucleotide variant.
Coding change: c.4090G>A on transcript NM_000257.4 (MANE Select); coding-DNA position 4090, G replaced by A.
Protein change: p.Ala1364Thr; replaces alanine 1364 with threonine.
Molecular consequence: missense variant.
Genome position (GRCh38, 1-based): chr14:23,418,289, C>T on the plus strand (G>A on the coding strand, the complement: MYH7 is on the minus strand). VCF-style: chr14-23418289-C-T. GRCh37 (hg19) VCF-style: chr14-23887498-C-T.
Other names: c.4090G>A, p.Ala1364Thr (NM_001407004.1); short protein forms A1364T.
Identifiers: ClinVar variation 2048556 (VCV002048556.7), dbSNP rs764594122, ClinGen allele CA040373.

ClinVar aggregate classification (germline): Conflicting classifications of pathogenicity. Review status: criteria provided, conflicting classifications (1 of 4 stars). 4 submissions from 4 submitters: Uncertain significance (3); Likely benign (1). Last evaluated 2026-07-10.

Conditions:
Cardiovascular phenotype. Identifiers: MedGen CN230736.
Cardiomyopathy (CMYO). Also called: Cardiomyopathies. Identifiers: Orphanet 167848, MedGen C0878544, MONDO:0004994, HP:0001638. Inheritance: Various modes of inheritance.
Hypertrophic cardiomyopathy. Also called: HYPERTROPHIC MYOCARDIOPATHY. Identifiers: Orphanet 217569, MedGen C0007194, MeSH D002312, MONDO:0005045, HP:0001639.

Allele frequency attached by ClinVar (database versions not stated): gnomAD exomes 0.00001; gnomAD 0.00002; ExAC 0.00004; TOPMed 0.00002.
gnomAD v4.1: 11 of 1,613,560 alleles (0.00068%); highest among the groups gnomAD compares: East Asian, 0.025%; no homozygotes.

Submissions (4):

Ambry Genetics
Classification: Likely benign for Cardiovascular phenotype. Last evaluated: 2026-07-10. Review status: criteria provided, single submitter. Criteria: Ambry Variant Classification Scheme 2023. Collection method: clinical testing. Allele origin: germline.

Labcorp Genetics (formerly Invitae), Labcorp
Classification: Uncertain significance for Hypertrophic cardiomyopathy. Last evaluated: 2024-12-08. Review status: criteria provided, single submitter. Criteria: Invitae Variant Classification Sherloc (09022015). Collection method: clinical testing. Allele origin: germline.
Comment: This sequence change replaces alanine, which is neutral and non-polar, with threonine, which is neutral and polar, at codon 1364 of the MYH7 protein (p.Ala1364Thr). This variant is present in population databases (rs764594122, gnomAD 0.05%). This missense change has been observed in individual(s) with hypertrophic cardiomyopathy (PMID: 37121957). ClinVar contains an entry for this variant (Variation ID: 2048556). Invitae Evidence Modeling of protein sequence and biophysical properties (such as structural, functional, and spatial information, amino acid conservation, physicochemical variation, residue mobility, and thermodynamic stability) indicates that this missense variant is expected to disrupt MYH7 protein function with a positive predictive value of 95%. In summary, the available evidence is currently insufficient to determine the role of this variant in disease. Therefore, it has been classified as a Variant of Uncertain Significance.

All of Us Research Program, National Institutes of Health
Classification: Uncertain significance for Cardiomyopathy. Last evaluated: 2023-12-13. Review status: criteria provided, single submitter. Criteria: ACMG Guidelines, 2015. Collection method: clinical testing. Allele origin: germline. Inheritance: Autosomal dominant inheritance. Observed: 2 variant alleles, 2 heterozygotes.
Comment: This missense variant replaces alanine with threonine at codon 1364 of the MYH7 protein. Computational prediction tool indicates that this variant may have a neutral impact on protein structure and function. To our knowledge, functional studies have not been reported for this variant. This variant has been reported in one individual affected with hypertrophic cardiomyopathy (PMID: 37121957). This variant has been identified in 10/282856 chromosomes in the general population by the Genome Aggregation Database (gnomAD). The available evidence is insufficient to determine the role of this variant in disease conclusively. Therefore, this variant is classified as a Variant of Uncertain Significance.

This study involves interpretation of variants in research participants for the purpose of population health screening. Participant phenotype was not available at the time of variant classification. Additional details can be found in publication PMID: 35346344, PMCID: PMC8962531

Color Diagnostics, LLC DBA Color Health
Classification: Uncertain significance for Cardiomyopathy. Last evaluated: 2023-11-22. Review status: criteria provided, single submitter. Criteria: ACMG Guidelines, 2015. Collection method: clinical testing. Allele origin: germline.
Comment: This missense variant replaces alanine with threonine at codon 1364 of the MYH7 protein. Computational prediction tool indicates that this variant may have a neutral impact on protein structure and function. To our knowledge, functional studies have not been reported for this variant. This variant has been reported in one individual affected with hypertrophic cardiomyopathy (PMID: 37121957). This variant has been identified in 10/282856 chromosomes in the general population by the Genome Aggregation Database (gnomAD). The available evidence is insufficient to determine the role of this variant in disease conclusively. Therefore, this variant is classified as a Variant of Uncertain Significance.

Literature cited by the submitters: PubMed 37121957 (cited by 3 submitters).